The following is an entry in ClinVar:

ClinVar aggregate classification (germline): Uncertain significance (1 of 4 stars; one submission).

gnomAD v4.1: 5 of 1,611,832 alleles (0.00031%); highest among the groups gnomAD compares: East Asian, 0.0022%; no homozygotes.

Submission:

GeneDx
Classification: Uncertain significance. Last evaluated: 2025-04-03. Review status: criteria provided, single submitter. Criteria: GeneDx Variant Classification Process June 2021. Collection method: clinical testing. Allele origin: germline.
Comment: Not observed at significant frequency in large population cohorts (gnomAD); In silico analysis indicates that this missense variant does not alter protein structure/function; Has not been previously published as pathogenic or benign to our knowledge

NM_024120.5(NDUFAF5):c.404C>T (p.Thr135Ile)

Gene: NDUFAF5 (NADH:ubiquinone oxidoreductase complex assembly factor 5; plus strand). Cytogenetic location: 20p12.1.
Variant type: single nucleotide variant.
Coding change: c.404C>T on transcript NM_024120.5 (MANE Select); coding-DNA position 404, C replaced by T.
Protein change: p.Thr135Ile; replaces threonine 135 with isoleucine.
Molecular consequence: missense variant. On other transcripts: 5 prime UTR variant (2), non-coding transcript variant (5), intron variant (2).
Genome position (GRCh38, 1-based): chr20:13,794,866, C>T. VCF-style: chr20-13794866-C-T. GRCh37 (hg19) VCF-style: chr20-13775512-C-T.
Other names: c.-158C>T (NM_001352406.2, NM_001352407.2); c.404C>T, p.Thr135Ile (NM_001352408.2); c.395+1639C>T (NM_001039375.3); c.8+1639C>T (NM_001352403.2); short protein forms T135I.
Identifiers: ClinVar variation 3369378 (VCV003369378.2).